The following is an entry in ClinVar:

ClinVar aggregate classification (germline): Benign. Review status: criteria provided, multiple submitters, no conflicts (2 of 4 stars). 2 submissions from 2 submitters: Benign (2). Last evaluated 2026-02-03.

Submissions (2):

Labcorp Genetics (formerly Invitae), Labcorp
Classification: Benign. Last evaluated: 2026-02-03. Review status: criteria provided, single submitter. Criteria: Invitae Variant Classification Sherloc (09022015). Collection method: clinical testing. Allele origin: germline.

Mayo Clinic Laboratories, Mayo Clinic
Classification: Benign. Last evaluated: 2025-01-13. Review status: criteria provided, single submitter. Criteria: ACMG Guidelines, 2015. Collection method: clinical testing. Allele origin: germline. Observed: 1 variant allele.
Comment: BS1, BS2, BP4, BP7

NM_020738.4(KIDINS220):c.901-11dup

Gene: KIDINS220 (kinase D interacting substrate 220; minus strand). Cytogenetic location: 2p25.1.
Variant type: Duplication.
Coding change: c.901-11dup on transcript NM_020738.4 (MANE Select); 11 bases into the intron before coding-DNA position 901, one base duplicated (T; older notation c.901-11dupT).
Molecular consequence: intron variant.
Genome position (GRCh38, 1-based): chr2:8,798,311, A duplicated on the plus strand (T on the coding strand, the reverse complement: KIDINS220 is on the minus strand); the first of 8 consecutive A bases (chr2:8,798,311-8,798,318); duplicating any one gives the same sequence. VCF-style (leftmost placement, unchanged base first): chr2-8798310-T-TA. GRCh37 (hg19) VCF-style: chr2-8938440-T-TA.
Other names: p.?; c.901-11dup (NM_001348741.2, NM_001348738.2, NM_001348742.2 and 3 more transcripts); c.904-11dup (NM_001348739.2, NM_001348740.2, NM_001348734.2 and 3 more transcripts); c.775-11dup (NM_001348736.2).
Identifiers: ClinVar variation 1649772 (VCV001649772.9), dbSNP rs558177292, ClinGen allele CA1520308.